The following is an entry in ClinVar:

ClinVar aggregate classification (germline): Likely pathogenic (1 of 4 stars; one submission).

Conditions:
PRPH2-related disorder. Also called: PRPH2-related disorders; PRPH2-related condition. Identifiers: MedGen CN239395.

Submission:

Labcorp Genetics (formerly Invitae), Labcorp
Classification: Likely pathogenic for PRPH2-related disorder. Last evaluated: 2022-06-20. Review status: criteria provided, single submitter. Criteria: Invitae Variant Classification Sherloc (09022015). Collection method: clinical testing. Allele origin: germline.
Comment: In summary, the currently available evidence indicates that the variant is pathogenic, but additional data are needed to prove that conclusively. Therefore, this variant has been classified as Likely Pathogenic. This variant disrupts the p.Asp157 amino acid residue in PRPH2. Other variant(s) that disrupt this residue have been determined to be pathogenic (PMID: 8994365, 17504850, 32531846). This suggests that this residue is clinically significant, and that variants that disrupt this residue are likely to be disease-causing. Advanced modeling of protein sequence and biophysical properties (such as structural, functional, and spatial information, amino acid conservation, physicochemical variation, residue mobility, and thermodynamic stability) performed at Invitae indicates that this missense variant is expected to disrupt PRPH2 protein function. This missense change has been observed in individual(s) with clinical features of retinitis pigmentosa (Invitae). This variant is not present in population databases (gnomAD no frequency). This sequence change replaces aspartic acid, which is acidic and polar, with histidine, which is basic and polar, at codon 157 of the PRPH2 protein (p.Asp157His).

Literature cited by the submitters: PubMed 8994365; PubMed 17504850; PubMed 32531846.

NM_000322.5(PRPH2):c.469G>C (p.Asp157His)

Gene: PRPH2 (peripherin 2; minus strand). Cytogenetic location: 6p21.1.
Variant type: single nucleotide variant.
Coding change: c.469G>C on transcript NM_000322.5 (MANE Select); coding-DNA position 469, G replaced by C.
Protein change: p.Asp157His; replaces aspartic acid 157 with histidine.
Molecular consequence: missense variant.
Genome position (GRCh38, 1-based): chr6:42,721,866, C>G on the plus strand (G>C on the coding strand, the complement: PRPH2 is on the minus strand). VCF-style: chr6-42721866-C-G. GRCh37 (hg19) VCF-style: chr6-42689604-C-G.
Other names: short protein forms D157H.
Identifiers: ClinVar variation 1511834 (VCV001511834.8), dbSNP rs61755787, ClinGen allele CA364137491.